The following is an entry in ClinVar:

ClinVar aggregate classification (germline): Likely benign. Review status: reviewed by expert panel (3 of 4 stars). 2 submissions from 2 submitters: Likely benign (1). 1 of the submissions does not count toward it. Last evaluated 2026-05-04.

Conditions:
Hereditary thrombocytopenia and hematological cancer predisposition syndrome associated with RUNX1. Also called: Familial Platelet Disorder with Propensity to Acute Myelogenous Leukemia; Familial thrombocytopenia with propensity to acute myelogenous leukemia; PLATELET DISORDER, ASPIRIN-LIKE; RUNX1 Familial Platelet Disorder with Associated Myeloid Malignancies. Identifiers: Orphanet 71290, MedGen C1832388, MeSH C563324, MONDO:0100083, OMIM 601399.
Hereditary thrombocytopenia and hematologic cancer predisposition syndrome. Identifiers: Orphanet 71290, MedGen CN281654, MONDO:0011071.

Submissions (2):

ClinGen Myeloid Malignancy Variant Curation Expert Panel
Classification: Likely benign for Hereditary thrombocytopenia and hematologic cancer predisposition syndrome. Last evaluated: 2026-05-04. Review status: reviewed by expert panel. Criteria: ClinGen MyeloMalig ACMG Specifications V3.1. Collection method: curation. Allele origin: germline. Inheritance: Autosomal dominant inheritance.
Comment: NM_001754.5(RUNX1):c.102C>A (p.Ala34=) is a synonymous variant which has a SpliceAI score ≤ 0.20 (0.03) (BP4, BP7). This variant is completely absent from all population databases with at least 20x coverage for RUNX1 (PM2_supporting). In summary, this variant meets criteria to be classified as likely benign. ACMG/AMP criteria applied, as specified by the Myeloid Malignancy Variant Curation Expert Panel for RUNX1: BP4, BP7, PM2_supporting.

Labcorp Genetics (formerly Invitae), Labcorp
Classification: Likely benign for Hereditary thrombocytopenia and hematological cancer predisposition syndrome associated with RUNX1. Last evaluated: 2023-02-04. Review status: criteria provided, single submitter. Criteria: Invitae Variant Classification Sherloc (09022015). Collection method: clinical testing. Allele origin: germline. Not counted in ClinVar's aggregate classification.

NM_001754.5(RUNX1):c.102C>A (p.Ala34=)

Gene: RUNX1 (RUNX family transcription factor 1; minus strand). Cytogenetic location: 21q22.12.
Variant type: single nucleotide variant.
Coding change: c.102C>A on transcript NM_001754.5 (MANE Select); coding-DNA position 102, C replaced by A.
Protein change: p.Ala34=; no amino-acid change (alanine 34 retained).
Molecular consequence: synonymous variant.
Genome position (GRCh38, 1-based): chr21:34,887,092, G>T on the plus strand (C>A on the coding strand, the complement: RUNX1 is on the minus strand). VCF-style: chr21-34887092-G-T. GRCh37 (hg19) VCF-style: chr21-36259389-G-T.
Other names: NM_001754.5(RUNX1):c.102C>A; p.Ala34=; c.21C>A, p.Ala7= (NM_001001890.3, NM_001122607.2).
Identifiers: ClinVar variation 2834488 (VCV002834488.6), dbSNP rs2517488672, ClinGen allele CA512319000.